The following is an entry in ClinVar:

NM_001276270.2(MBD4):c.1609G>T (p.Asp537Tyr)

Gene: MBD4 (methyl-CpG binding domain 4, DNA glycosylase; minus strand). Cytogenetic location: 3q21.3.
Variant type: single nucleotide variant.
Coding change: c.1609G>T on transcript NM_001276270.2 (MANE Select); coding-DNA position 1609, G replaced by T.
Protein change: p.Asp537Tyr; replaces aspartic acid 537 with tyrosine.
Molecular consequence: missense variant. On other transcripts: intron variant (1).
Genome position (GRCh38, 1-based): chr3:129,432,541, C>A on the plus strand (G>T on the coding strand, the complement: MBD4 is on the minus strand). VCF-style: chr3-129432541-C-A. GRCh37 (hg19) VCF-style: chr3-129151384-C-A.
Other names: c.1627G>T, p.Asp543Tyr (NM_001276271.2, NM_003925.3); c.673G>T, p.Asp225Tyr (NM_001276273.2); c.1612+15G>T (NM_001276272.2); short protein forms D543Y, D225Y, D537Y.
Identifiers: ClinVar variation 4052192 (VCV004052192.1).

ClinVar aggregate classification (germline): Uncertain significance (1 of 4 stars; one submission).

Conditions:
Inborn genetic diseases. Identifiers: MedGen C0950123, MeSH D030342.

Submission:

Ambry Genetics
Classification: Uncertain significance for Inborn genetic diseases. Last evaluated: 2025-04-22. Review status: criteria provided, single submitter. Criteria: Ambry Variant Classification Scheme 2023. Collection method: clinical testing. Allele origin: germline.
Comment: The p.D537Y variant (also known as c.1609G>T), located in coding exon 7 of the MBD4 gene, results from a G to T substitution at nucleotide position 1609. The aspartic acid at codon 537 is replaced by tyrosine, an amino acid with highly dissimilar properties. This amino acid position is conserved. In addition, this alteration is predicted to be deleterious by in silico analysis. Based on the available evidence, the clinical significance of this variant remains unclear.